The following is an entry in ClinVar:

ClinVar aggregate classification (germline): Pathogenic (1 of 4 stars; one submission).

Allele frequency attached by ClinVar (database versions not stated): ExAC 0.00001; gnomAD 0.00001; TOPMed 0.00001; ESP Exome Variant Server 0.00008.

Submission:

Labcorp Genetics (formerly Invitae), Labcorp
Classification: Pathogenic. Last evaluated: 2022-12-20. Review status: criteria provided, single submitter. Criteria: Invitae Variant Classification Sherloc (09022015). Collection method: clinical testing. Allele origin: germline.
Comment: For these reasons, this variant has been classified as Pathogenic. This variant disrupts a region of the UROD protein in which other variant(s) (p.Trp34Arg) have been determined to be pathogenic (PMID: 19233912). This suggests that this is a clinically significant region of the protein, and that variants that disrupt it are likely to be disease-causing. Disruption of the initiator codon has been observed in individual(s) with porphyria cutanea tarda (PMID: 19419417). This variant is present in population databases (rs368362264, gnomAD 0.0009%). This sequence change affects the initiator methionine of the UROD mRNA. The next in-frame methionine is located at codon 36.

Literature cited by the submitters: PubMed 19233912; PubMed 19419417.

NM_000374.5(UROD):c.3G>A (p.Met1Ile)

Genes: UROD (uroporphyrinogen decarboxylase; plus strand), LOC129930433 (ATAC-STARR-seq lymphoblastoid active region 959; plus strand). Cytogenetic location: 1p34.1.
Variant type: single nucleotide variant.
Coding change: c.3G>A on transcript NM_000374.5 (MANE Select); coding-DNA position 3, G replaced by A.
Protein change: p.Met1Ile; changes the start codon (methionine 1).
Molecular consequence: missense variant, initiator codon variant. On other transcripts: non-coding transcript variant (3).
Genome position (GRCh38, 1-based): chr1:45,012,268, G>A. VCF-style: chr1-45012268-G-A. GRCh37 (hg19) VCF-style: chr1-45477940-G-A.
Other names: short protein forms M1I.
Identifiers: ClinVar variation 2733885 (VCV002733885.3), dbSNP rs368362264, ClinGen allele CA825076.
Genomic context (GRCh38, chr1:45,012,268, plus strand): 5'-GGCAGGCTCAGATTCAGGTTAAATTGTGGATTGAGCTCGCAGTTACAGACAGCTGACCAT[G>A]GAAGCGAATGGGTTGGGGTGAGTTCTCCAGAGCACGCGGTGTGGCTAGCCGGGCTTCTAA-3'
Protein context (NP_000365.3, residues 1-11): [Met1Ile]EANGLGPQGF